The following is an entry in ClinVar:

NM_012200.4(B3GAT3):c.695A>G (p.Gln232Arg)

Gene: B3GAT3 (beta-1,3-glucuronyltransferase 3; minus strand). Cytogenetic location: 11q12.3.
Variant type: single nucleotide variant.
Coding change: c.695A>G on transcript NM_012200.4 (MANE Select); coding-DNA position 695, A replaced by G.
Protein change: p.Gln232Arg; replaces glutamine 232 with arginine.
Molecular consequence: missense variant. On other transcripts: non-coding transcript variant (1).
Genome position (GRCh38, 1-based): chr11:62,616,720, T>C on the plus strand (A>G on the coding strand, the complement: B3GAT3 is on the minus strand). VCF-style: chr11-62616720-T-C. GRCh37 (hg19) VCF-style: chr11-62384192-T-C.
Other names: c.674A>G, p.Gln225Arg (NM_001288721.2); c.695A>G, p.Gln232Arg (NM_001288722.2, NM_001288723.2); short protein forms Q225R, Q232R.
Identifiers: ClinVar variation 3132556 (VCV003132556.2), dbSNP rs1341591342, ClinGen allele CA380976104.

ClinVar aggregate classification (germline): Uncertain significance. Review status: criteria provided, multiple submitters, no conflicts (2 of 4 stars). 2 submissions from 2 submitters: Uncertain significance (2). Last evaluated 2026-08-06.

Conditions:
Larsen-like syndrome, B3GAT3 type. Also called: MULTIPLE JOINT DISLOCATIONS, SHORT STATURE, AND CRANIOFACIAL DYSMORPHISM WITH OR WITHOUT CONGENITAL HEART DEFECTS; Multiple joint dislocations, short stature, craniofacial dysmorphism, with or without congenital heart defects. Identifiers: Orphanet 284139, MedGen CN034159, MONDO:0009511, OMIM 245600.
Inborn genetic diseases. Identifiers: MedGen C0950123, MeSH D030342.

Allele frequency attached by ClinVar (database versions not stated): gnomAD 0.00002; TOPMed 0.00001.
gnomAD v4.1: 5 of 1,613,984 alleles (0.00031%); highest among the groups gnomAD compares: African/African-American, 0.0053%; no homozygotes.

Submissions (2):

OLLIN Analises Genomicas, OLLIN
Classification: Uncertain significance for Larsen-like syndrome, B3GAT3 type. Last evaluated: 2026-08-06. Review status: criteria provided, single submitter. Criteria: ACMG Guidelines 2015 PMID 25741868. Collection method: clinical testing. Allele origin: germline. Inheritance: Autosomal recessive inheritance.
Comment: This missense variant, located in exon 4 (of 5), has been reported in ClinVar (accession VCV003132556.1) and in gnomAD with an allele frequency of 0.00031%. However, to our knowledge, it has not been reported in the scientific literature. In silico analysis predicts that this variant has a tolerated effect. According to the currently available evidence, this variant has been classified as uncertain significance (PM2_P, BP4).

Ambry Genetics
Classification: Uncertain significance for Inborn genetic diseases. Last evaluated: 2023-12-17. Review status: criteria provided, single submitter. Criteria: Ambry Variant Classification Scheme 2023. Collection method: clinical testing. Allele origin: germline.